The following is an entry in ClinVar:

NM_001283041.3(USP25):c.2938C>G (p.Leu980Val)

Gene: USP25 (ubiquitin specific peptidase 25; plus strand). Cytogenetic location: 21q21.1.
Variant type: single nucleotide variant.
Coding change: c.2938C>G on transcript NM_001283041.3 (MANE Select); coding-DNA position 2938, C replaced by G.
Protein change: p.Leu980Val; replaces leucine 980 with valine.
Molecular consequence: missense variant.
Genome position (GRCh38, 1-based): chr21:15,874,455, C>G. VCF-style: chr21-15874455-C-G. GRCh37 (hg19) VCF-style: chr21-17246774-C-G.
Other names: c.2824C>G, p.Leu942Val (NM_001283042.3); c.2065C>G, p.Leu689Val (NM_001352560.2, NM_001388299.1); c.1516C>G, p.Leu506Val (NM_001352561.2, NM_001388300.1, NM_001388301.1); c.1507C>G, p.Leu503Val (NM_001388302.1); c.2728C>G, p.Leu910Val (NM_013396.6); short protein forms L503V, L506V, L689V, L910V, L942V, L980V.
Identifiers: ClinVar variation 4883744 (VCV004883744.2).

ClinVar aggregate classification (germline): Uncertain significance (1 of 4 stars; one submission).

gnomAD v4.1: 2 of 1,611,238 alleles (0.00012%); highest among the groups gnomAD compares: Admixed American, 0.0034%; no homozygotes.

Submission:

Dasa
Classification: Uncertain significance. Last evaluated: 2025-11-28. Review status: criteria provided, single submitter. Criteria: DASA Assertion Criteria. Collection method: clinical testing. Allele origin: germline.
Comment: NM_001283041.3(USP25):c.2938C>G (p.Leu980Val) is a missense variant that results in the substitution of leucine with valine. This variant is rare in population databases. The currently available literature and clinical evidence are not sufficient to establish a definitive association between this variant and the reported condition. Therefore, this variant is classified as a variant of uncertain significance.